The following is an entry in ClinVar:

ClinVar aggregate classification (germline): Uncertain significance (1 of 4 stars; one submission).

gnomAD v4.1: 5 of 1,603,800 alleles (0.00031%); highest among the groups gnomAD compares: East Asian, 0.011%; no homozygotes.

Submission:

Labcorp Genetics (formerly Invitae), Labcorp
Classification: Uncertain significance. Last evaluated: 2022-11-01. Review status: criteria provided, single submitter. Criteria: Invitae Variant Classification Sherloc (09022015). Collection method: clinical testing. Allele origin: germline.
Comment: In summary, the available evidence is currently insufficient to determine the role of this variant in disease. Therefore, it has been classified as a Variant of Uncertain Significance. Advanced modeling of protein sequence and biophysical properties (such as structural, functional, and spatial information, amino acid conservation, physicochemical variation, residue mobility, and thermodynamic stability) performed at Invitae indicates that this missense variant is expected to disrupt SLCO2A1 protein function. ClinVar contains an entry for this variant (Variation ID: 1418501). This variant has not been reported in the literature in individuals affected with SLCO2A1-related conditions. This variant is present in population databases (rs187907881, gnomAD 0.04%). This sequence change replaces arginine, which is basic and polar, with proline, which is neutral and non-polar, at codon 603 of the SLCO2A1 protein (p.Arg603Pro).

NM_005630.3(SLCO2A1):c.1808G>C (p.Arg603Pro)

Gene: SLCO2A1 (solute carrier organic anion transporter family member 2A1; minus strand). Cytogenetic location: 3q22.1.
Variant type: single nucleotide variant.
Coding change: c.1808G>C on transcript NM_005630.3 (MANE Select); coding-DNA position 1808, G replaced by C.
Protein change: p.Arg603Pro; replaces arginine 603 with proline.
Molecular consequence: missense variant.
Genome position (GRCh38, 1-based): chr3:133,935,780, C>G on the plus strand (G>C on the coding strand, the complement: SLCO2A1 is on the minus strand). VCF-style: chr3-133935780-C-G. GRCh37 (hg19) VCF-style: chr3-133654624-C-G.
Other names: short protein forms R603P.
Identifiers: ClinVar variation 1418501 (VCV001418501.8), dbSNP rs187907881, ClinGen allele CA2626314.